The following is an entry in ClinVar:

ClinVar aggregate classification (germline): Uncertain significance (1 of 4 stars; one submission).

gnomAD v4.1: 14 of 1,613,978 alleles (0.00087%); highest among the groups gnomAD compares: South Asian, 0.0088%; no homozygotes.

Submission:

Labcorp Genetics (formerly Invitae), Labcorp
Classification: Uncertain significance. Last evaluated: 2025-09-10. Review status: criteria provided, single submitter. Criteria: Invitae Variant Classification Sherloc (09022015). Collection method: clinical testing. Allele origin: germline.
Comment: This sequence change replaces glutamic acid, which is acidic and polar, with glycine, which is neutral and non-polar, at codon 285 of the FOCAD protein (p.Glu285Gly). This variant is present in population databases (rs775010386, gnomAD 0.003%). This variant has not been reported in the literature in individuals affected with FOCAD-related conditions. Experimental studies and prediction algorithms are not available or were not evaluated, and the functional significance of this variant is currently unknown. In summary, the available evidence is currently insufficient to determine the role of this variant in disease. Therefore, it has been classified as a Variant of Uncertain Significance.

NM_001375567.1(FOCAD):c.854A>G (p.Glu285Gly)

Gene: FOCAD (focadhesin; plus strand). Cytogenetic location: 9p21.3.
Variant type: single nucleotide variant.
Coding change: c.854A>G on transcript NM_001375567.1 (MANE Select); coding-DNA position 854, A replaced by G.
Protein change: p.Glu285Gly; replaces glutamic acid 285 with glycine.
Molecular consequence: missense variant.
Genome position (GRCh38, 1-based): chr9:20,770,186, A>G. VCF-style: chr9-20770186-A-G. GRCh37 (hg19) VCF-style: chr9-20770185-A-G.
Other names: c.854A>G, p.Glu285Gly (NM_001375568.1, NM_017794.5); c.749A>G, p.Glu250Gly (NM_001375570.1); short protein forms E285G, E250G.
Identifiers: ClinVar variation 4749278 (VCV004749278.1).